The following is an entry in ClinVar:

ClinVar aggregate classification (germline): Uncertain significance (1 of 4 stars; one submission).

Allele frequency attached by ClinVar (database versions not stated): gnomAD exomes below 0.00001 and 0.00001; ExAC 0.00001; gnomAD 0.00002; TOPMed 0.00002.

Submission:

GeneDx
Classification: Uncertain significance. Last evaluated: 2022-02-15. Review status: criteria provided, single submitter. Criteria: GeneDx Variant Classification Process June 2021. Collection method: clinical testing. Allele origin: germline. Affected: yes.
Comment: Not observed at significant frequency in large population cohorts (gnomAD); In silico analysis supports that this missense variant does not alter protein structure/function; Has not been previously published as pathogenic or benign to our knowledge

NM_182895.5(SCARF2):c.2036G>A (p.Arg679His)

Gene: SCARF2 (scavenger receptor class F member 2; minus strand). Cytogenetic location: 22q11.21.
Variant type: single nucleotide variant.
Coding change: c.2036G>A on transcript NM_182895.5 (MANE Select); coding-DNA position 2036, G replaced by A.
Protein change: p.Arg679His; replaces arginine 679 with histidine.
Molecular consequence: missense variant.
Genome position (GRCh38, 1-based): chr22:20,425,940, C>T on the plus strand (G>A on the coding strand, the complement: SCARF2 is on the minus strand). VCF-style: chr22-20425940-C-T. GRCh37 (hg19) VCF-style: chr22-20780227-C-T.
Other names: c.2051G>A, p.Arg684His (NM_153334.7); short protein forms R679H, R684H.
Identifiers: ClinVar variation 1700940 (VCV001700940.2), dbSNP rs746555186, ClinGen allele CA10112242.